The following is an entry in ClinVar:

NM_006885.4(ZFHX3):c.10100dup (p.Tyr3367Ter)

Genes: ZFHX3 (zinc finger homeobox 3; minus strand), ZFHX3-AS1 (ZFHX3 antisense RNA 1; plus strand). Cytogenetic location: 16q22.2.
Variant type: Duplication.
Coding change: c.10100dup on transcript NM_006885.4 (MANE Select); coding-DNA position 10100, one base duplicated (A; older notation c.10100dupA).
Protein change: p.Tyr3367Ter; replaces tyrosine 3367 with a stop codon.
Molecular consequence: nonsense.
Genome position (GRCh38, 1-based): chr16:72,788,176, T duplicated on the plus strand (A on the coding strand, the reverse complement: ZFHX3 is on the minus strand). VCF-style (leftmost placement, unchanged base first): chr16-72788175-G-GT. GRCh37 (hg19) VCF-style: chr16-72822074-G-GT.
Other names: c.7358dup, p.Tyr2453Ter (NM_001164766.2); c.10100dup, p.Tyr3367Ter (NM_001386735.1); short protein forms Y2453*, Y3367*.
Identifiers: ClinVar variation 3899681 (VCV003899681.1).

ClinVar aggregate classification (germline): Uncertain significance (1 of 4 stars; one submission).

Submission:

GeneDx
Classification: Uncertain significance. Last evaluated: 2024-11-12. Review status: criteria provided, single submitter. Criteria: GeneDx Variant Classification Process June 2021. Collection method: clinical testing. Allele origin: germline. Affected: yes.
Comment: Not observed at significant frequency in large population cohorts (gnomAD); Nonsense variant predicted to result in protein truncation as the last 337 amino acids are lost; Has not been previously published as pathogenic or benign to our knowledge